The following is an entry in ClinVar:

NM_024818.6(UBA5):c.1183_1184insT (p.Glu395fs)

Genes: NPHP3-ACAD11 (NPHP3-ACAD11 readthrough (NMD candidate); minus strand), UBA5 (ubiquitin like modifier activating enzyme 5; plus strand). Cytogenetic location: 3q22.1.
Variant type: Insertion.
Coding change: c.1183_1184insT on transcript NM_024818.6 (MANE Select); coding-DNA positions 1183 to 1184, T inserted.
Protein change: p.Glu395fs; shifts the reading frame from glutamic acid 395.
Molecular consequence: frameshift variant.
Genome position: GRCh38 VCF-style: chr3-132676494-G-GT. GRCh37 (hg19) VCF-style: chr3-132395338-G-GT.
Other names: c.1015_1016insT, p.Glu339fs (NM_001320210.2, NM_198329.4); c.913_914insT, p.Glu305fs (NM_001321238.2); c.847_848insT, p.Glu283fs (NM_001321239.1); short protein forms E283fs, E305fs, E339fs, E395fs.
Identifiers: ClinVar variation 4854882 (VCV004854882.1).
Genomic context (GRCh38, chr3:132,676,494, plus strand): 5'-TGTCAATAGCAAGAAGATTCTGTCACTGAGTTAACAGTGGAAGATTCTGGTGAAAGCTTG[G>GT]AAGACCTCATGGCCAAAATGAAGAATATGTAGATAATGGACTGGGATATATTGTATTTCT-3'

ClinVar aggregate classification (germline): Uncertain significance (1 of 4 stars; one submission).

Conditions:
Developmental and epileptic encephalopathy, 44 (DEE44). Also called: Epileptic encephalopathy, early infantile, 44. Identifiers: MedGen C4310700, MONDO:0014933, OMIM 617132.

Submission:

3billion
Classification: Uncertain significance for Developmental and epileptic encephalopathy, 44. Last evaluated: 2025-08-19. Review status: criteria provided, single submitter. Criteria: ACMG Guidelines, 2015. Collection method: clinical testing. Allele origin: germline. Affected: yes.
Comment: The variant is not observed in the gnomAD v4.1.0 dataset. Predicted Consequence/Location: Frameshift: predicted to result in a loss or disruption of normal protein function through protein truncation. The predicted truncated protein may be shortened by less than 10%. In silico tools predict the variant to alter splicing and produce an abnormal transcript [SpliceAI: 0.61 (spliceogenicity >=0.2, non-spliceogenicity <0.1)]. Therefore, this variant is classified as VUS according to the recommendation of ACMG/AMP guideline.